The following is an entry in ClinVar:

NM_031372.4(HNRNPDL):c.169G>A (p.Ala57Thr)

Gene: HNRNPDL (heterogeneous nuclear ribonucleoprotein D like; minus strand). Cytogenetic location: 4q21.22.
Variant type: single nucleotide variant.
Coding change: c.169G>A on transcript NM_031372.4 (MANE Select); coding-DNA position 169, G replaced by A.
Protein change: p.Ala57Thr; replaces alanine 57 with threonine.
Molecular consequence: missense variant. On other transcripts: non-coding transcript variant (1).
Genome position (GRCh38, 1-based): chr4:82,429,522, C>T on the plus strand (G>A on the coding strand, the complement: HNRNPDL is on the minus strand). VCF-style: chr4-82429522-C-T. GRCh37 (hg19) VCF-style: chr4-83350675-C-T.
Other names: c.169G>A, p.Ala57Thr (NM_001207000.1); short protein forms A57T.
Identifiers: ClinVar variation 464384 (VCV000464384.11), dbSNP rs775253636, ClinGen allele CA357172904.

ClinVar aggregate classification (germline): Uncertain significance. Review status: criteria provided, multiple submitters, no conflicts (2 of 4 stars). 2 submissions from 2 submitters: Uncertain significance (2). Last evaluated 2019-09-25.

Conditions:
Autosomal dominant limb-girdle muscular dystrophy type 1G (LGMDD3). Also called: Limb-girdle muscular dystrophy, type 1G; MUSCULAR DYSTROPHY, LIMB-GIRDLE, AUTOSOMAL DOMINANT 3. Identifiers: Orphanet 55596, MedGen C1836765, MONDO:0012193, OMIM 609115.

Allele frequency attached by ClinVar (database versions not stated): TOPMed below 0.00001.

Submissions (2):

Revvity Omics, Revvity
Classification: Uncertain significance for Autosomal dominant limb-girdle muscular dystrophy type 1G. Last evaluated: 2019-09-25. Review status: criteria provided, single submitter. Criteria: ACMG Guidelines, 2015. Collection method: clinical testing. Allele origin: germline.

Labcorp Genetics (formerly Invitae), Labcorp
Classification: Uncertain significance for Autosomal dominant limb-girdle muscular dystrophy type 1G. Last evaluated: 2017-04-13. Review status: criteria provided, single submitter. Criteria: Invitae Variant Classification Sherloc (09022015). Collection method: clinical testing. Allele origin: germline.
Comment: In summary, this variant is a missense change that is not predicted to affect protein function. There is no indication that it causes disease, but the available evidence is currently insufficient to prove that conclusively. Therefore, it has been classified as a Variant of Uncertain Significance. Algorithms developed to predict the effect of missense changes on protein structure and function output the following: SIFT: "Tolerated"; PolyPhen-2: "Possibly Damaging"; Align-GVGD: "Class C0". The threonine amino acid residue is found in multiple mammalian species, suggesting that this missense change does not adversely affect protein function. These predictions have not been confirmed by published functional studies. While this variant is not present in population databases, the frequency information is unreliable, as metrics indicate poor data quality at this position in the ExAC database. This variant has not been reported in the literature in individuals with a HNRNPDL-related disease. This sequence change replaces alanine with threonine at codon 57 of the HNRNPDL protein (p.Ala57Thr). The alanine residue is weakly conserved and there is a small physicochemical difference between alanine and threonine.